The following is an entry in ClinVar:

ClinVar aggregate classification (germline): Conflicting classifications of pathogenicity. Review status: criteria provided, conflicting classifications (1 of 4 stars). 6 submissions from 6 submitters: Uncertain significance (5); Likely benign (1). Last evaluated 2026-05-06.

Conditions:
PLEC-related disorder. Also called: PLEC-related disorders; PLEC-related condition.
Autosomal recessive limb-girdle muscular dystrophy type 2Q (LGMDR17). Also called: MUSCULAR DYSTROPHY, LIMB-GIRDLE, AUTOSOMAL RECESSIVE 17. Identifiers: Orphanet 254361, MedGen C3150989, MONDO:0013390, OMIM 613723.
Epidermolysis bullosa simplex with nail dystrophy (EBS5D). Identifiers: MedGen C4225309, MONDO:0014661, OMIM 616487.
Epidermolysis bullosa simplex 5C, with pyloric atresia (EBS5C). Also called: PLEC-Related Epidermolysis Bullosa with Pyloric Atresia; Epidermolysis bullosa simplex with pyloric atresia; PLEC1-Related Epidermolysis Bullosa with Pyloric Atresia. Identifiers: Orphanet 158684, MedGen C2677349, MONDO:0012807, OMIM 612138.
Epidermolysis bullosa simplex, Ogna type (EBS5A). Also called: Pidermolysis bullosa simplex 5A, Ogna type; EPIDERMOLYSIS BULLOSA SIMPLEX 5A, OGNA TYPE. Identifiers: Orphanet 79401, MedGen C0432317, MONDO:0007555, OMIM 131950.
Epidermolysis bullosa simplex 5B, with muscular dystrophy (EBS5B). Also called: EPIDERMOLYSIS BULLOSA SIMPLEX AND LIMB-GIRDLE MUSCULAR DYSTROPHY; Epidermolysis bullosa simplex with muscular dystrophy. Identifiers: Orphanet 257, MedGen C2931072, MONDO:0009181, OMIM 226670.

Allele frequency attached by ClinVar (database versions not stated): gnomAD exomes 0.00004 and 0.00012; ExAC 0.00012; gnomAD 0.00031 and 0.00033; TOPMed 0.00044; ESP Exome Variant Server 0.00056.
gnomAD v4.1: 108 of 1,612,854 alleles (0.0067%); highest among the groups gnomAD compares: African/African-American, 0.089%; no homozygotes.

Submissions (6):

PreventionGenetics, part of Exact Sciences
Classification: Uncertain significance for PLEC-related condition. Last evaluated: 2026-05-06. Review status: criteria provided, single submitter. Criteria: ACMG Guidelines, 2015. Collection method: clinical testing. Allele origin: germline.
Comment: The PLEC c.8396G>A variant is predicted to result in the amino acid substitution p.Arg2799His. To our knowledge, this variant has not been reported in the literature. This variant is reported in 0.084% of alleles in individuals of African descent in gnomAD. Although we suspect that this variant may be benign, at this time, the clinical significance of this variant is uncertain due to the absence of conclusive functional and genetic evidence.

Labcorp Genetics (formerly Invitae), Labcorp
Classification: Uncertain significance for Autosomal recessive limb-girdle muscular dystrophy type 2Q; Epidermolysis bullosa simplex, Ogna type; Epidermolysis bullosa simplex with nail dystrophy; Epidermolysis bullosa simplex 5C, with pyloric atresia; Epidermolysis bullosa simplex 5B, with muscular dystrophy. Last evaluated: 2025-10-02. Review status: criteria provided, single submitter. Criteria: Invitae Variant Classification Sherloc (09022015). Collection method: clinical testing. Allele origin: germline.
Comment: This sequence change replaces arginine, which is basic and polar, with histidine, which is basic and polar, at codon 2799 of the PLEC protein (p.Arg2799His). This variant is present in population databases (rs201916690, gnomAD 0.08%). This variant has not been reported in the literature in individuals affected with PLEC-related conditions. ClinVar contains an entry for this variant (Variation ID: 448078). An algorithm developed to predict the effect of missense changes on protein structure and function (PolyPhen-2) suggests that this variant is likely to be disruptive. In summary, the available evidence is currently insufficient to determine the role of this variant in disease. Therefore, it has been classified as a Variant of Uncertain Significance.

Revvity Omics, Revvity
Classification: Uncertain significance. Last evaluated: 2022-05-12. Review status: criteria provided, single submitter. Criteria: ACMG Guidelines, 2015. Collection method: clinical testing. Allele origin: germline.

Laboratorio de Genetica e Diagnostico Molecular, Hospital Israelita Albert Einstein
Classification: Likely benign. Last evaluated: 2020-01-03. Review status: criteria provided, single submitter. Criteria: ACMG Guidelines, 2015. Collection method: clinical testing. Allele origin: germline. Affected: yes.
Comment: ACMG classification criteria: PM2, BP1, BP4

Eurofins Ntd Llc (ga)
Classification: Uncertain significance. Last evaluated: 2017-12-07. Review status: criteria provided, single submitter. Criteria: EGL Classification Definitions 2015. Collection method: clinical testing. Allele origin: germline. Observed: 2 variant alleles, 2 heterozygotes.

Athena Diagnostics
Classification: Uncertain significance. Last evaluated: 2016-12-05. Review status: criteria provided, single submitter. Criteria: Athena Diagnostics Criteria. Collection method: clinical testing. Allele origin: germline.

NM_201384.3(PLEC):c.8315G>A (p.Arg2772His)

Gene: PLEC (plectin; minus strand). Cytogenetic location: 8q24.3.
Variant type: single nucleotide variant.
Coding change: c.8315G>A on transcript NM_201384.3 (MANE Select); coding-DNA position 8315, G replaced by A.
Protein change: p.Arg2772His; replaces arginine 2772 with histidine.
Molecular consequence: missense variant.
Genome position (GRCh38, 1-based): chr8:143,921,506, C>T on the plus strand (G>A on the coding strand, the complement: PLEC is on the minus strand). VCF-style: chr8-143921506-C-T. GRCh37 (hg19) VCF-style: chr8-144995674-C-T.
Other names: c.8396G>A, p.Arg2799His (NM_000445.5); c.8273G>A, p.Arg2758His (NM_201378.4); c.8249G>A, p.Arg2750His (NM_201379.3); c.8726G>A, p.Arg2909His (NM_201380.4); c.8219G>A, p.Arg2740His (NM_201381.3); c.8315G>A, p.Arg2772His (NM_201382.4); c.8327G>A, p.Arg2776His (NM_201383.3); short protein forms R2740H, R2750H, R2758H, R2772H, R2776H, R2799H, R2909H.
Identifiers: ClinVar variation 448078 (VCV000448078.17), dbSNP rs201916690, ClinGen allele CA4925363.